The following is an entry in ClinVar:

NM_001009944.3(PKD1):c.5880G>A (p.Gln1960=)

Gene: PKD1 (polycystin 1, transient receptor potential channel interacting; minus strand). Cytogenetic location: 16p13.3.
Variant type: single nucleotide variant.
Coding change: c.5880G>A on transcript NM_001009944.3 (MANE Select); coding-DNA position 5880, G replaced by A.
Protein change: p.Gln1960=; no amino-acid change (glutamine 1960 retained).
Molecular consequence: synonymous variant.
Genome position (GRCh38, 1-based): chr16:2,109,287, C>T on the plus strand (G>A on the coding strand, the complement: PKD1 is on the minus strand). VCF-style: chr16-2109287-C-T. GRCh37 (hg19) VCF-style: chr16-2159288-C-T.
Other names: c.5880G>A, p.Gln1960= (NM_000296.4).
Identifiers: ClinVar variation 3067372 (VCV003067372.21), dbSNP rs2544808099, ClinGen allele CA493047728.

ClinVar aggregate classification (germline): Likely benign (1 of 4 stars; one submission).

gnomAD v4.1: 2 of 1,584,092 alleles (0.00013%); highest among the groups gnomAD compares: Non-Finnish European, 0.000086%; no homozygotes.

Submission:

CeGaT Center for Human Genetics Tuebingen
Classification: Likely benign. Last evaluated: 2024-03-01. Review status: criteria provided, single submitter. Criteria: CeGaT Center For Human Genetics Tuebingen Variant Classification Criteria Version 2. Collection method: clinical testing. Allele origin: germline. Affected: yes. Observed: 1 variant allele.
Comment: PKD1: PM2:Supporting, BP4, BP7